The following is an entry in ClinVar:

NM_000083.3(CLCN1):c.259A>T (p.Thr87Ser)

Gene: CLCN1 (chloride voltage-gated channel 1; plus strand). Cytogenetic location: 7q34.
Variant type: single nucleotide variant.
Coding change: c.259A>T on transcript NM_000083.3 (MANE Select); coding-DNA position 259, A replaced by T.
Protein change: p.Thr87Ser; replaces threonine 87 with serine.
Molecular consequence: missense variant. On other transcripts: non-coding transcript variant (1).
Genome position (GRCh38, 1-based): chr7:143,319,833, A>T. VCF-style: chr7-143319833-A-T. GRCh37 (hg19) VCF-style: chr7-143016926-A-T.
Other names: c.259A>T (NM_000083.2); short protein forms T87S.
Identifiers: ClinVar variation 2178478 (VCV002178478.5), dbSNP rs1394098762, ClinGen allele CA369680855.

ClinVar aggregate classification (germline): Conflicting classifications of pathogenicity. Review status: criteria provided, conflicting classifications (1 of 4 stars). 2 submissions from 2 submitters: Uncertain significance (1); Likely benign (1). Last evaluated 2025-09-04.

Conditions:
Inborn genetic diseases. Identifiers: MedGen C0950123, MeSH D030342.
Congenital myotonia, autosomal dominant form (THD). Also called: THOMSEN DISEASE; Myotonia congenita autosomal dominant. Identifiers: Orphanet 614, MedGen C2936781, MONDO:0008055, OMIM 160800.
Congenital myotonia, autosomal recessive form. Also called: BECKER DISEASE; myotonia congenita, autosomal recessive; Becker Generalized Myotonia. Identifiers: Orphanet 614, MedGen C0751360, MONDO:0009715, OMIM 255700.

Allele frequency attached by ClinVar (database versions not stated): gnomAD exomes below 0.00001; gnomAD 0.00001.
gnomAD v4.1: 4 of 1,613,782 alleles (0.00025%); highest among the groups gnomAD compares: Non-Finnish European, 0.00025%; no homozygotes.

Submissions (2):

Ambry Genetics
Classification: Likely benign for Inborn genetic diseases. Last evaluated: 2025-09-04. Review status: criteria provided, single submitter. Criteria: Ambry Variant Classification Scheme 2023. Collection method: clinical testing. Allele origin: germline.

Labcorp Genetics (formerly Invitae), Labcorp
Classification: Uncertain significance for Congenital myotonia, autosomal recessive form; Congenital myotonia, autosomal dominant form. Last evaluated: 2021-12-30. Review status: criteria provided, single submitter. Criteria: Invitae Variant Classification Sherloc (09022015). Collection method: clinical testing. Allele origin: germline.
Comment: In summary, the available evidence is currently insufficient to determine the role of this variant in disease. Therefore, it has been classified as a Variant of Uncertain Significance. Advanced modeling of protein sequence and biophysical properties (such as structural, functional, and spatial information, amino acid conservation, physicochemical variation, residue mobility, and thermodynamic stability) performed at Invitae indicates that this missense variant is not expected to disrupt CLCN1 protein function. This variant has not been reported in the literature in individuals affected with CLCN1-related conditions. This variant is not present in population databases (gnomAD no frequency). This sequence change replaces threonine, which is neutral and polar, with serine, which is neutral and polar, at codon 87 of the CLCN1 protein (p.Thr87Ser).